The following is an entry in ClinVar:

ClinVar aggregate classification (germline): Uncertain significance (1 of 4 stars; one submission).

Conditions:
Charcot-Marie-Tooth disease type 2. Also called: Charcot-Marie-Tooth type 2. Identifiers: Orphanet 64746, MedGen C0270914, MONDO:0018993.

Submission:

Labcorp Genetics (formerly Invitae), Labcorp
Classification: Uncertain significance for Charcot-Marie-Tooth disease type 2. Last evaluated: 2022-12-03. Review status: criteria provided, single submitter. Criteria: Invitae Variant Classification Sherloc (09022015). Collection method: clinical testing. Allele origin: germline.
Comment: In summary, the available evidence is currently insufficient to determine the role of this variant in disease. Therefore, it has been classified as a Variant of Uncertain Significance. Advanced modeling of protein sequence and biophysical properties (such as structural, functional, and spatial information, amino acid conservation, physicochemical variation, residue mobility, and thermodynamic stability) has been performed at Invitae for this missense variant, however the output from this modeling did not meet the statistical confidence thresholds required to predict the impact of this variant on AARS protein function. This variant has not been reported in the literature in individuals affected with AARS-related conditions. This variant is not present in population databases (gnomAD no frequency). This sequence change replaces glycine, which is neutral and non-polar, with valine, which is neutral and non-polar, at codon 700 of the AARS protein (p.Gly700Val).

NM_001605.3(AARS1):c.2099G>T (p.Gly700Val)

Gene: AARS1 (alanyl-tRNA synthetase 1; minus strand). Cytogenetic location: 16q22.1.
Variant type: single nucleotide variant.
Coding change: c.2099G>T on transcript NM_001605.3 (MANE Select); coding-DNA position 2099, G replaced by T.
Protein change: p.Gly700Val; replaces glycine 700 with valine.
Molecular consequence: missense variant.
Genome position (GRCh38, 1-based): chr16:70,258,111, C>A on the plus strand (G>T on the coding strand, the complement: AARS1 is on the minus strand). VCF-style: chr16-70258111-C-A. GRCh37 (hg19) VCF-style: chr16-70292014-C-A.
Other names: short protein forms G700V.
Identifiers: ClinVar variation 2723751 (VCV002723751.3), dbSNP rs1960035881, ClinGen allele CA396557656.